The following is an entry in ClinVar:

ClinVar aggregate classification (germline): Likely pathogenic (1 of 4 stars; one submission).

Conditions:
Steel syndrome (STLS). Identifiers: Orphanet 438117, MedGen C3554594, MONDO:0014061, OMIM 615155.

Submission:

First Genomix Gene Laboratory, Genetic Diagnostics Department
Classification: Likely pathogenic for Steel syndrome. Last evaluated: 2025-01-11. Review status: criteria provided, single submitter. Criteria: ACMG Guidelines, 2015. Collection method: clinical testing. Allele origin: germline. Inheritance: Autosomal recessive inheritance. Affected: no. Observed: 1 variant allele.

NM_032888.4(COL27A1):c.4285_4286delinsT (p.Arg1429fs)

Gene: COL27A1 (collagen type XXVII alpha 1 chain; plus strand). Cytogenetic location: 9q32.
Variant type: Indel.
Coding change: c.4285_4286delinsT on transcript NM_032888.4 (MANE Select); coding-DNA positions 4285 to 4286, CG replaced by T.
Protein change: p.Arg1429fs; shifts the reading frame from arginine 1429.
Molecular consequence: frameshift variant.
Genome position (GRCh38, 1-based): chr9:114,290,248-114,290,249, CG replaced by T. VCF-style: chr9-114290248-CG-T. GRCh37 (hg19) VCF-style: chr9-117052528-CG-T.
Other names: short protein forms R1429fs.
Identifiers: ClinVar variation 4845669 (VCV004845669.1).